The following is an entry in ClinVar:

NM_014956.5(CEP164):c.1585G>A (p.Ala529Thr)

Gene: CEP164 (centrosomal protein 164; plus strand). Cytogenetic location: 11q23.3.
Variant type: single nucleotide variant.
Coding change: c.1585G>A on transcript NM_014956.5 (MANE Select); coding-DNA position 1585, G replaced by A.
Protein change: p.Ala529Thr; replaces alanine 529 with threonine.
Molecular consequence: missense variant. On other transcripts: intron variant (27).
Genome position (GRCh38, 1-based): chr11:117,382,803, G>A. VCF-style: chr11-117382803-G-A. GRCh37 (hg19) VCF-style: chr11-117253519-G-A.
Other names: c.1594G>A, p.Ala532Thr (NM_001271933.2, NM_001440949.1); c.1585G>A, p.Ala529Thr (NM_001440950.1, NM_001440951.1, NM_001440953.1 and 1 more transcripts); c.1507G>A, p.Ala503Thr (NM_001440954.1, NM_001440955.1, NM_001440958.1 and 2 more transcripts); c.1456G>A, p.Ala486Thr (NM_001440960.1); c.1426G>A, p.Ala476Thr (NM_001440972.1); c.1586+935G>A (NM_001440967.1, NM_001440961.1); c.1637+935G>A (NM_001440956.1, NM_001440957.1); c.1577+935G>A (NM_001440962.1, NM_001440970.1, NM_001440964.1 and 6 more transcripts); and 2 more; short protein forms A503T, A476T, A486T, A532T, A529T.
Identifiers: ClinVar variation 5002007 (VCV005002007.1).

ClinVar aggregate classification (germline): Uncertain significance (1 of 4 stars; one submission).

Conditions:
CEP164-related disorder. Also called: CEP164-related condition.

Submission:

PreventionGenetics, part of Exact Sciences
Classification: Uncertain significance for CEP164-related condition. Last evaluated: 2025-01-20. Review status: criteria provided, single submitter. Criteria: ACMG Guidelines, 2015. Collection method: clinical testing. Allele origin: germline.
Comment: The CEP164 c.1585G>A variant is predicted to result in the amino acid substitution p.Ala529Thr. To our knowledge, this variant has not been reported in the literature or in a large population database (gnomAD), indicating this variant is rare. At this time, the clinical significance of this variant is uncertain due to the absence of conclusive functional and genetic evidence.